The following continues an entry in ClinVar:

NM_138694.4(PKHD1):c.8870T>C (p.Ile2957Thr)

Gene: PKHD1. ClinVar aggregate classification (germline): Pathogenic. Pathogenic (13).

Submissions 12 to 15 of 15:

Women's Health and Genetics/Laboratory Corporation of America, LabCorp
Classification: Pathogenic for Autosomal recessive polycystic kidney disease. Last evaluated: 2017-01-23. Review status: criteria provided, single submitter. Criteria: LabCorp Variant Classification Summary - May 2015. Collection method: clinical testing. Allele origin: germline.
Comment: Variant summary: The PKHD1 c.8870T>C (p.Ile2957Thr) variant involves the alteration of a conserved nucleotide, which 3/4 in silico tools predict damaging outcome for this variant. This variant was found in 10/122220 control chromosomes at a frequency of 0.0000818, which does not exceed the estimated maximal expected allele frequency of a pathogenic PKHD1 variant (0.0070711). In literature, this variant is widely reported as a pathogenic variant and is found in several patients with autosomal recessive polycystic kidney disease with consistent genotype-phenotype evidences. Available patient data show that this variant is a severe mutation. A patient who carried 10627delT and p.I2957T variants was found to have no ARPKD protein (i.e. fibronectin), strongly suggesting that this variant leads to functional impairment (Ward_2003). Multiple clinical diagnostic laboratories/reputable databases have classified this variant as pathogenic. Taken together, this variant is classified as Pathogenic.

Baylor Genetics
Classification: Pathogenic for Polycystic kidney disease 4. Review status: criteria provided, single submitter. Criteria: ACMG Guidelines, 2015. Collection method: clinical testing. Allele origin: germline.

PreventionGenetics, part of Exact Sciences
Classification: Pathogenic for PKHD1-related condition. Last evaluated: 2024-02-02. Review status: no assertion criteria provided. Collection method: clinical testing. Allele origin: germline. Not counted in ClinVar's aggregate classification.
Comment: The PKHD1 c.8870T>C variant is predicted to result in the amino acid substitution p.Ile2957Thr. This variant has been widely reported to be pathogenic for autosomal recessive polycystic kidney disease (ARPKD) (see for example, Ward et al. 2002. PubMed ID: 11919560; Obeidova et al. 2020. PubMed ID: 32574212; Table S2, Jayasinghe et al. 2021. PubMed ID: 32939031). This variant is reported in 0.010% of alleles in individuals of European (Non-Finnish) descent in gnomAD. This variant is interpreted as pathogenic.

Department of Pathology and Laboratory Medicine, Sinai Health System
Classification: Pathogenic for Polycystic Kidney disease. Review status: no assertion criteria provided. Collection method: clinical testing. Allele origin: unknown. Affected: yes. Observed: 2 variant alleles. Study: The Canadian Open Genetics Repository (COGR). Not counted in ClinVar's aggregate classification.
Comment: The PKHD1 p.Ile2957Thr variant was identified in 15 of 690 proband chromosomes (frequency: 0.02) from individuals or families with ARPKD or congenital hepatic fibrosis and was not identified in 520 chromosomes from healthy individuals (Adeva 2006, Denamur 2010, Furu 2003, Gunay-Aygun 2010, Sharp 2005, Ward 2002). The variant was also identified in dbSNP (ID: rs760222236) â€šÃ„ÃºWith Pathogenic alleleâ€šÃ„Ã¹, ClinVar (classified pathogenic by Illumina Clinical Services Laboratory), RWTH AAachen University ARPKD database (classified pathogenic). The variant was also identified in control databases in 16 of 276840 chromosomes at a frequency of 0.00006 (Genome Aggregation Database Feb 27, 2017). Breakdown of the observations by population include African in 1 of 24028 chromosomes (freq: 0.00004), European Non-Finnish in 14 of 126434 chromosomes (freq: 0.0001), and South Asian in 1 of 30782 chromosomes (freq: 0.00003); it was not observed in the Other, Latino, Ashkenazi Jewish, East Asian, or European Finnish populations. The p.Ile2957 residue is conserved in mammals but not in more distantly related organisms, and four out of five computational analyses (PolyPhen-2, SIFT, AlignGVGD, BLOSUM, MutationTaster) suggest that the Thr variant may impact the protein; however, this information is not predictive enough to assume pathogenicity. The variant occurs outside of the splicing consensus sequence and in silico or computational prediction software programs (SpliceSiteFinder, MaxEntScan, NNSPLICE, GeneSplicer, HumanSpliceFinder) do not predict a difference in splicing. In summary, based on the above information this variant meets our laboratoryâ€šÃ„Ã´s criteria to be classified as pathogenic.

Literature cited by the submitters: PubMed 11898128 (cited by 3 submitters); PubMed 11919560 (cited by Labcorp Genetics (formerly Invitae), Labcorp and Illumina Laboratory Services, Illumina); PubMed 12506140 (cited by 3 submitters); PubMed 15698423 (cited by Labcorp Genetics (formerly Invitae), Labcorp); PubMed 15805161 (cited by 3 submitters); PubMed 19914852 (cited by Labcorp Genetics (formerly Invitae), Labcorp and Illumina Laboratory Services, Illumina); PubMed 27225849 (cited by 3 submitters); PubMed 24162162 (cited by Natera, Inc. and Women's Health and Genetics/Laboratory Corporation of America, LabCorp); PubMed 37471416 (cited by Dasa); PubMed 29956005 (cited by Dasa); PubMed 26385851 (cited by Dasa); PubMed 38868576 (cited by Dasa); PubMed 32939031 (cited by Dasa); PubMed 32574212 (cited by Dasa); PubMed 12846734 (cited by Illumina Laboratory Services, Illumina and Women's Health and Genetics/Laboratory Corporation of America, LabCorp); PubMed 23582048 (cited by Illumina Laboratory Services, Illumina); PubMed 19940839 (cited by Illumina Laboratory Services, Illumina and Women's Health and Genetics/Laboratory Corporation of America, LabCorp).